The following is an entry in ClinVar:

NM_004881.5(TP53I3):c.666G>A (p.Trp222Ter)

Genes: FAM228B (family with sequence similarity 228 member B; plus strand), TP53I3 (tumor protein p53 inducible protein 3; minus strand). Cytogenetic location: 2p23.3.
Variant type: single nucleotide variant.
Coding change: c.666G>A on transcript NM_004881.5 (MANE Select); coding-DNA position 666, G replaced by A.
Protein change: p.Trp222Ter; replaces tryptophan 222 with a stop codon.
Molecular consequence: nonsense. On other transcripts: intron variant (2).
Genome position (GRCh38, 1-based): chr2:24,079,594, C>T on the plus strand (G>A on the coding strand, the complement: TP53I3 is on the minus strand). VCF-style: chr2-24079594-C-T. GRCh37 (hg19) VCF-style: chr2-24302464-C-T.
Other names: c.666G>A, p.Trp222Ter (NM_147184.4); c.-289-1282C>T (NM_001291328.2); c.619+1225G>A (NM_001206802.2); short protein forms W222*.
Identifiers: ClinVar variation 3052130 (VCV003052130.2), dbSNP rs34048750, ClinGen allele CA1549571.

ClinVar aggregate classification (germline): Likely benign (0 of 4 stars; one submission).

Conditions:
TP53I3-related disorder. Also called: TP53I3-related condition.

Allele frequency attached by ClinVar (database versions not stated): ESP Exome Variant Server 0.00169; gnomAD 0.00169; TOPMed 0.00183; 1000 Genomes Project 0.00300; gnomAD exomes 0.00018; 1000 Genomes Project 30x 0.00359.
gnomAD v4.1: 521 of 1,614,098 alleles (0.032%); highest among the groups gnomAD compares: African/African-American, 0.64%; 1 homozygote.

Submission:

PreventionGenetics, part of Exact Sciences
Classification: Likely benign for TP53I3-related condition. Last evaluated: 2024-05-30. Review status: no assertion criteria provided. Collection method: clinical testing. Allele origin: germline.
Comment: This variant is classified as likely benign based on ACMG/AMP sequence variant interpretation guidelines (Richards et al. 2015 PMID: 25741868, with internal and published modifications).